The following is an entry in ClinVar:

ClinVar aggregate classification (germline): Uncertain significance (1 of 4 stars; one submission).

Conditions:
COG5-congenital disorder of glycosylation. Also called: CDG IIi; COG5-CDG; CONGENITAL DISORDER OF GLYCOSYLATION, TYPE IIi. Identifiers: Orphanet 263487, MedGen C3150876, MONDO:0013325, OMIM 613612.

Allele frequency attached by ClinVar (database versions not stated): gnomAD exomes below 0.00001; ExAC 0.00001.
gnomAD v4.1: 1 of 1,613,674 alleles (0.000062%); highest among the groups gnomAD compares: Admixed American, 0.0017%; no homozygotes.

Submission:

Labcorp Genetics (formerly Invitae), Labcorp
Classification: Uncertain significance for COG5-congenital disorder of glycosylation. Last evaluated: 2022-05-05. Review status: criteria provided, single submitter. Criteria: Invitae Variant Classification Sherloc (09022015). Collection method: clinical testing. Allele origin: germline.
Comment: This sequence change replaces alanine, which is neutral and non-polar, with valine, which is neutral and non-polar, at codon 140 of the COG5 protein (p.Ala140Val). This variant is present in population databases (rs758820507, gnomAD 0.003%). This variant has not been reported in the literature in individuals affected with COG5-related conditions. Algorithms developed to predict the effect of missense changes on protein structure and function are either unavailable or do not agree on the potential impact of this missense change (SIFT: "Tolerated"; PolyPhen-2: "Possibly Damaging"; Align-GVGD: "Class C0"). In summary, the available evidence is currently insufficient to determine the role of this variant in disease. Therefore, it has been classified as a Variant of Uncertain Significance.

NM_006348.5(COG5):c.326C>T (p.Ala109Val)

Gene: COG5 (component of oligomeric golgi complex 5; minus strand). Cytogenetic location: 7q22.3.
Variant type: single nucleotide variant.
Coding change: c.326C>T on transcript NM_006348.5 (MANE Select); coding-DNA position 326, C replaced by T.
Protein change: p.Ala109Val; replaces alanine 109 with valine.
Molecular consequence: missense variant. On other transcripts: intron variant (1).
Genome position (GRCh38, 1-based): chr7:107,548,299, G>A on the plus strand (C>T on the coding strand, the complement: COG5 is on the minus strand). VCF-style: chr7-107548299-G-A. GRCh37 (hg19) VCF-style: chr7-107188744-G-A.
Other names: c.326C>T, p.Ala109Val (NM_001161520.2, NM_001379511.1, NM_001379512.1 and 4 more transcripts); c.234+9677C>T (NM_001379516.1); short protein forms A109V.
Identifiers: ClinVar variation 1439441 (VCV001439441.5), dbSNP rs758820507, ClinGen allele CA4431440.